The following is an entry in ClinVar:

ClinVar aggregate classification (germline): Uncertain significance (1 of 4 stars; one submission).

Conditions:
SCN3A-related disorder. Also called: SCN3A-related condition.

Submission:

PreventionGenetics, part of Exact Sciences
Classification: Uncertain significance for SCN3A-related condition. Last evaluated: 2026-01-22. Review status: criteria provided, single submitter. Criteria: ACMG Guidelines, 2015. Collection method: clinical testing. Allele origin: germline.
Comment: The SCN3A c.5523G>A variant is predicted to result in the amino acid substitution p.Met1841Ile. To our knowledge, this variant has not been reported in the literature. This variant is reported in 0.0033% of alleles in individuals of South Asian descent in gnomAD. At this time, the clinical significance of this variant is uncertain due to the absence of conclusive functional and genetic evidence.

NM_006922.4(SCN3A):c.5523G>A (p.Met1841Ile)

Gene: SCN3A (sodium voltage-gated channel alpha subunit 3; minus strand). Cytogenetic location: 2q24.3.
Variant type: single nucleotide variant.
Coding change: c.5523G>A on transcript NM_006922.4 (MANE Select); coding-DNA position 5523, G replaced by A.
Protein change: p.Met1841Ile; replaces methionine 1841 with isoleucine.
Molecular consequence: missense variant.
Genome position (GRCh38, 1-based): chr2:165,090,630, C>T on the plus strand (G>A on the coding strand, the complement: SCN3A is on the minus strand). VCF-style: chr2-165090630-C-T. GRCh37 (hg19) VCF-style: chr2-165947140-C-T.
Other names: c.5376G>A, p.Met1792Ile (NM_001081676.2, NM_001081677.2); short protein forms M1792I, M1841I.
Identifiers: ClinVar variation 4993978 (VCV004993978.1).
Genomic context (GRCh38, chr2:165,090,630, plus strand): 5'-CAAAACACGCTTTGTAAAGGCAAATAAAATATCAAGACAGTGGATCCGGTCACCACTGAC[C>T]ATGGGCAGATCCATGGCAATAAGCTGGACTTTGTTGGGTTTTGCTATGAGAAGAGGAGGA-3'
Protein context (NP_008853.3, residues 1831-1851): KVQLIAMDLP[Met1841Ile]VSGDRIHCLD